The following is an entry in ClinVar:

ClinVar aggregate classification (germline): Conflicting classifications of pathogenicity. Review status: criteria provided, conflicting classifications (1 of 4 stars). 15 submissions from 15 submitters: Uncertain significance (5); Likely benign (9). 1 of the submissions does not count toward it. Last evaluated 2026-01-21.

Conditions:
Classic or attenuated familial adenomatous polyposis. Identifiers: MedGen CN372698, MONDO:0021057.
APC-related disorder. Also called: APC-related condition.
APC-Associated Polyposis Disorders.
Hereditary cancer. Identifiers: MedGen C1333600.
Hereditary cancer-predisposing syndrome. Also called: Tumor predisposition; Hereditary neoplastic syndrome; Hereditary Cancer Syndrome; Neoplastic Syndromes, Hereditary. Identifiers: Orphanet 140162, MedGen C0027672, MeSH D009386, MONDO:0015356.
Familial adenomatous polyposis 1 (FAP1). Also called: POLYPOSIS, ADENOMATOUS INTESTINAL; FAMILIAL ADENOMATOUS POLYPOSIS 1, ATTENUATED. Identifiers: MedGen C2713442, MONDO:0021056, OMIM 175100. Disease mechanism: loss of function.

Allele frequency attached by ClinVar (database versions not stated): ExAC 0.00003; TOPMed 0.00003; gnomAD exomes 0.00004; gnomAD 0.00005; ESP Exome Variant Server 0.00008; 1000 Genomes Project 0.00020; 1000 Genomes Project 30x 0.00031.
gnomAD v4.1: 171 of 1,614,066 alleles (0.011%); highest among the groups gnomAD compares: Non-Finnish European, 0.013%; no homozygotes.

Submissions (15):

Labcorp Genetics (formerly Invitae), Labcorp
Classification: Likely benign for Familial adenomatous polyposis 1. Last evaluated: 2026-01-21. Review status: criteria provided, single submitter. Criteria: Invitae Variant Classification Sherloc (09022015). Collection method: clinical testing. Allele origin: germline.

Color Diagnostics, LLC DBA Color Health
Classification: Likely benign for Hereditary cancer-predisposing syndrome. Last evaluated: 2025-12-16. Review status: criteria provided, single submitter. Criteria: ACMG Guidelines, 2015. Collection method: clinical testing. Allele origin: germline.

Dasa
Classification: Likely benign. Last evaluated: 2025-11-07. Review status: criteria provided, single submitter. Criteria: DASA Assertion Criteria. Collection method: clinical testing. Allele origin: germline.
Comment: NM_000038.6(APC):c.3625G>A (p.Glu1209Lys) is a missense variant that results in the substitution of glutamic acid with lysine. Population frequency is inconsistent with a disease-causing role for this variant, and the variant context is inconsistent with a known disease-causing mechanism. Therefore, based on the currently available evidence, this variant is classified as likely benign.

PreventionGenetics, part of Exact Sciences
Classification: Likely benign for APC-related condition. Last evaluated: 2025-08-30. Review status: criteria provided, single submitter. Criteria: ACMG Guidelines, 2015. Collection method: clinical testing. Allele origin: germline.
Comment: This variant is classified as likely benign based on ACMG/AMP sequence variant interpretation guidelines (Richards et al. 2015 PMID: 25741868, with internal and published modifications).

Molecular Pathology, Peter Maccallum Cancer Centre
Classification: Likely benign for Familial adenomatous polyposis 1. Last evaluated: 2025-05-13. Review status: criteria provided, single submitter. Criteria: ACMG Guidelines, 2015. Collection method: clinical testing. Allele origin: germline. Inheritance: Autosomal dominant inheritance.

Mendelics
Classification: Likely benign for Hereditary cancer. Last evaluated: 2024-01-23. Review status: criteria provided, single submitter. Criteria: ACMG Guidelines, 2015. Collection method: clinical testing. Allele origin: unknown.

All of Us Research Program, National Institutes of Health
Classification: Uncertain significance for Classic or attenuated familial adenomatous polyposis. Last evaluated: 2023-11-30. Review status: criteria provided, single submitter. Criteria: ACMG Guidelines, 2015. Collection method: clinical testing. Allele origin: germline. Inheritance: Autosomal dominant inheritance. Observed: 10 variant alleles, 10 heterozygotes.
Comment: This missense variant replaces glutamic acid with lysine at codon 1209 of the APC protein. Computational prediction suggests that this variant may not impact protein structure and function (internally defined REVEL score threshold <= 0.5, PMID: 27666373). To our knowledge, functional studies have not been reported for this variant. This variant has been reported in an individual affected with colorectal cancer (PMID: 28135145). This variant has been identified in 12/281956 chromosomes in the general population by the Genome Aggregation Database (gnomAD). The available evidence is insufficient to determine the role of this variant in disease conclusively. Therefore, this variant is classified as a Variant of Uncertain Significance.

This study involves interpretation of variants in research participants for the purpose of population health screening. Participant phenotype was not available at the time of variant classification. Additional details can be found in publication PMID: 35346344, PMCID: PMC8962531

Women's Health and Genetics/Laboratory Corporation of America, LabCorp
Classification: Likely benign. Last evaluated: 2023-11-16. Review status: criteria provided, single submitter. Criteria: LabCorp Variant Classification Summary - May 2015. Collection method: clinical testing. Allele origin: germline.
Comment: Variant summary: APC c.3625G>A (p.Glu1209Lys) results in a conservative amino acid change in the encoded protein sequence. Five of five in-silico tools predict a benign effect of the variant on protein function. The variant allele was found at a frequency of 0.00011 in 1614066 control chromosomes, predominantly at a frequency of 0.00013 within the Non-Finnish European subpopulation in the gnomAD database. The observed variant frequency within Non-Finnish European control individuals in the gnomAD database is approximately 1.8 fold of the estimated maximal expected allele frequency for a pathogenic variant in APC causing Familial Adenomatous Polyposis phenotype (7.1e-05), strongly suggesting that the variant is a benign polymorphism found primarily in populations of Non-Finnish European origin. To our knowledge, no occurrence of c.3625G>A in individuals affected with Familial Adenomatous Polyposis and no experimental evidence demonstrating its impact on protein function have been reported. Nine submitters have cited clinical-significance assessments for this variant to ClinVar after 2014. Multiple submitters reported the variant with conflicting assessments (LB, n=3, VUS, n=6). Based on the evidence outlined above, the variant was classified as likely benign.

Department of Pathology and Laboratory Medicine, Sinai Health System
Classification: Uncertain significance for classic or attenuated familial adenomatous polyposis. Last evaluated: 2023-09-18. Review status: criteria provided, single submitter. Criteria: ACMG Guidelines, 2015. Collection method: clinical testing. Allele origin: germline. Affected: no.

Myriad Genetics, Inc.
Classification: Uncertain significance for Familial adenomatous polyposis 1. Last evaluated: 2023-02-17. Review status: criteria provided, single submitter. Criteria: Myriad Autosomal Dominant, Autosomal Recessive and X-Linked Classification Criteria (2023). Collection method: clinical testing. Allele origin: unknown.
Comment: This variant is classified as a variant of uncertain significance as there is insufficient evidence to determine its impact on protein function and/or cancer risk.

GeneDx
Classification: Uncertain significance. Last evaluated: 2022-10-12. Review status: criteria provided, single submitter. Criteria: GeneDx Variant Classification Process June 2021. Collection method: clinical testing. Allele origin: germline. Affected: yes.
Comment: In silico analysis supports that this missense variant does not alter protein structure/function; Observed in at least one individual with a personal history of colon cancer who underwent multi-gene panel testing (Yurgelun et al., 2017); This variant is associated with the following publications: (PMID: 29058119, 28135145)

CeGaT Center for Human Genetics Tuebingen
Classification: Likely benign. Last evaluated: 2022-07-01. Review status: criteria provided, single submitter. Criteria: CeGaT Center For Human Genetics Tuebingen Variant Classification Criteria Version 2. Collection method: clinical testing. Allele origin: germline. Affected: yes. Observed: 1 variant allele.
Comment: APC: BP1

Ambry Genetics
Classification: Likely benign for Hereditary cancer-predisposing syndrome. Last evaluated: 2018-06-25. Review status: criteria provided, single submitter. Criteria: Ambry Variant Classification Scheme 2023. Collection method: clinical testing. Allele origin: germline.

Illumina Laboratory Services, Illumina
Classification: Uncertain significance for APC-Associated Polyposis Disorders. Last evaluated: 2017-04-27. Review status: criteria provided, single submitter. Criteria: ICSL Variant Classification Criteria 13 December 2019. Collection method: clinical testing. Allele origin: germline.

Counsyl
Classification: Uncertain significance for Familial adenomatous polyposis 1. Last evaluated: 2017-12-18. Review status: no assertion criteria provided. Collection method: clinical testing. Allele origin: unknown. Not counted in ClinVar's aggregate classification.

Literature cited by the submitters: PubMed 28135145 (cited by 3 submitters).

NM_000038.6(APC):c.3625G>A (p.Glu1209Lys)

Gene: APC (APC regulator of Wnt signaling pathway; plus strand). Cytogenetic location: 5q22.2.
Variant type: single nucleotide variant.
Coding change: c.3625G>A on transcript NM_000038.6 (MANE Select); coding-DNA position 3625, G replaced by A.
Protein change: p.Glu1209Lys; replaces glutamic acid 1209 with lysine.
Molecular consequence: missense variant.
Genome position (GRCh38, 1-based): chr5:112,839,219, G>A. VCF-style: chr5-112839219-G-A. GRCh37 (hg19) VCF-style: chr5-112174916-G-A.
Other names: c.3625G>A, p.Glu1209Lys (NM_001127510.3, NM_001354895.2); c.3571G>A, p.Glu1191Lys (NM_001127511.3); c.3679G>A, p.Glu1227Lys (NM_001354896.2); c.3655G>A, p.Glu1219Lys (NM_001354897.2); c.3550G>A, p.Glu1184Lys (NM_001354898.2); c.3541G>A, p.Glu1181Lys (NM_001354899.2); c.3502G>A, p.Glu1168Lys (NM_001354900.2); c.3448G>A, p.Glu1150Lys (NM_001354901.2); and 5 more; short protein forms E1191K, E1209K, E1049K, E1118K, E1168K, E1181K, E1184K, E1083K.
Identifiers: ClinVar variation 141688 (VCV000141688.68), dbSNP rs201185479, ClinGen allele CA008564.